The following is an entry in ClinVar:

ClinVar aggregate classification (germline): Pathogenic (1 of 4 stars; one submission).

Conditions:
Spermatogenic failure 18. Identifiers: MedGen C4539783, MONDO:0054615, OMIM 617576.
Ciliary dyskinesia, primary, 37 (CILD37). Also called: CILIARY DYSKINESIA, PRIMARY, 37, WITH OR WITHOUT SITUS INVERSUS. Identifiers: MedGen C4539798, MONDO:0033204, OMIM 617577.

Submission:

Labcorp Genetics (formerly Invitae), Labcorp
Classification: Pathogenic for Ciliary dyskinesia, primary, 37; Spermatogenic failure 18. Last evaluated: 2023-07-16. Review status: criteria provided, single submitter. Criteria: Invitae Variant Classification Sherloc (09022015). Collection method: clinical testing. Allele origin: germline.
Comment: This variant has not been reported in the literature in individuals affected with DNAH1-related conditions. For these reasons, this variant has been classified as Pathogenic. Information on the frequency of this variant in the gnomAD database is not available, as this variant may be reported differently in the database. This sequence change creates a premature translational stop signal (p.Lys3795*) in the DNAH1 gene. It is expected to result in an absent or disrupted protein product. Loss-of-function variants in DNAH1 are known to be pathogenic (PMID: 27573432, 27798045).

Literature cited by the submitters: PubMed 27573432; PubMed 27798045.

NM_015512.5(DNAH1):c.11382_11383delinsAT (p.Lys3795Ter)

Gene: DNAH1 (dynein axonemal heavy chain 1; plus strand). Cytogenetic location: 3p21.1.
Variant type: Indel.
Coding change: c.11382_11383delinsAT on transcript NM_015512.5 (MANE Select); coding-DNA positions 11382 to 11383, GA replaced by AT.
Protein change: p.Lys3795Ter; replaces lysine 3795 with a stop codon.
Molecular consequence: nonsense.
Genome position (GRCh38, 1-based): chr3:52,396,490-52,396,491, GA replaced by AT. VCF-style: chr3-52396490-GA-AT. GRCh37 (hg19) VCF-style: chr3-52430506-GA-AT.
Other names: short protein forms K3795*.
Identifiers: ClinVar variation 2949882 (VCV002949882.3), dbSNP rs2471297630, ClinGen allele CA2740094454.